The following is an entry in ClinVar:

ClinVar aggregate classification (germline): Conflicting classifications of pathogenicity. Review status: criteria provided, conflicting classifications (1 of 4 stars). 4 submissions from 4 submitters: Uncertain significance (3); Likely benign (1). Last evaluated 2025-12-12.

Conditions:
Autosomal recessive Alport syndrome (ATS2). Also called: COL4A4 Alport Syndrome and Thin Basement Membrane Nephropathy; ALPORT SYNDROME 2, AUTOSOMAL RECESSIVE; Alport syndrome type 2; COL4A3-Related Nephropathy. Identifiers: Orphanet 63, Orphanet 88919, MedGen C4746745, MONDO:0008762, OMIM 203780.
Hematuria, benign familial, 1 (BFH1). Also called: THIN MEMBRANE NEPHROPATHY. Identifiers: MedGen CN376803, MONDO:0007709, OMIM 141200.
Inborn genetic diseases. Identifiers: MedGen C0950123, MeSH D030342.

Allele frequency attached by ClinVar (database versions not stated): ExAC 0.00002; gnomAD exomes 0.00005; ESP Exome Variant Server 0.00008; 1000 Genomes Project 30x 0.00016; 1000 Genomes Project 0.00020.
gnomAD v4.1: 79 of 1,613,954 alleles (0.0049%); highest among the groups gnomAD compares: Non-Finnish European, 0.0058%; no homozygotes.

Submissions (4):

Labcorp Genetics (formerly Invitae), Labcorp
Classification: Uncertain significance. Last evaluated: 2025-12-12. Review status: criteria provided, single submitter. Criteria: Invitae Variant Classification Sherloc (09022015). Collection method: clinical testing. Allele origin: germline.
Comment: This sequence change replaces valine, which is neutral and non-polar, with isoleucine, which is neutral and non-polar, at codon 182 of the COL4A4 protein (p.Val182Ile). This variant is present in population databases (rs377231912, gnomAD 0.007%). This variant has not been reported in the literature in individuals affected with COL4A4-related conditions. ClinVar contains an entry for this variant (Variation ID: 3147607). Invitae Evidence Modeling of protein sequence and biophysical properties (such as structural, functional, and spatial information, amino acid conservation, physicochemical variation, residue mobility, and thermodynamic stability) indicates that this missense variant is not expected to disrupt COL4A4 protein function with a negative predictive value of 95%. In summary, the available evidence is currently insufficient to determine the role of this variant in disease. Therefore, it has been classified as a Variant of Uncertain Significance.

Women's Health and Genetics/Laboratory Corporation of America, LabCorp
Classification: Uncertain significance. Last evaluated: 2025-09-02. Review status: criteria provided, single submitter. Criteria: LabCorp Variant Classification Summary - May 2015. Collection method: clinical testing. Allele origin: germline.
Comment: Variant summary: COL4A4 c.544G>A (p.Val182Ile) results in a conservative amino acid change in the encoded protein sequence. Algorithms developed to predict the effect of missense changes on protein structure and function all suggest that this variant is likely to be tolerated. The variant allele was found at a frequency of 3.2e-05 in 249492 control chromosomes. The available data on variant occurrences in the general population are insufficient to allow any conclusion about variant significance. To our knowledge, no occurrence of c.544G>A in individuals affected with COL4A4-related conditions and no experimental evidence demonstrating its impact on protein function have been reported. ClinVar contains an entry for this variant (Variation ID: 3147607). Based on the evidence outlined above, the variant was classified as uncertain significance.

Fulgent Genetics
Classification: Uncertain significance for Hematuria, benign familial, 1; Autosomal recessive Alport syndrome. Last evaluated: 2024-05-20. Review status: criteria provided, single submitter. Criteria: ACMG Guidelines, 2015. Collection method: clinical testing. Allele origin: germline.

Ambry Genetics
Classification: Likely benign for Inborn genetic diseases. Last evaluated: 2022-04-08. Review status: criteria provided, single submitter. Criteria: Ambry Variant Classification Scheme 2023. Collection method: clinical testing. Allele origin: germline.

NM_000092.5(COL4A4):c.544G>A (p.Val182Ile)

Gene: COL4A4 (collagen type IV alpha 4 chain; minus strand). Cytogenetic location: 2q36.3.
Variant type: single nucleotide variant.
Coding change: c.544G>A on transcript NM_000092.5 (MANE Select); coding-DNA position 544, G replaced by A.
Protein change: p.Val182Ile; replaces valine 182 with isoleucine.
Molecular consequence: missense variant.
Genome position (GRCh38, 1-based): chr2:227,114,642, C>T on the plus strand (G>A on the coding strand, the complement: COL4A4 is on the minus strand). VCF-style: chr2-227114642-C-T. GRCh37 (hg19) VCF-style: chr2-227979358-C-T.
Other names: short protein forms V182I.
Identifiers: ClinVar variation 3147607 (VCV003147607.4), dbSNP rs377231912, ClinGen allele CA2145632.